The following is an entry in ClinVar:

ClinVar aggregate classification (germline): Uncertain significance (1 of 4 stars; one submission).

Conditions:
Hereditary cancer-predisposing syndrome. Also called: Neoplastic Syndromes, Hereditary; Hereditary Cancer Syndrome; Hereditary neoplastic syndrome; Tumor predisposition. Identifiers: Orphanet 140162, MedGen C0027672, MeSH D009386, MONDO:0015356.

Allele frequency attached by ClinVar (database versions not stated): gnomAD exomes below 0.00001.

Submission:

Ambry Genetics
Classification: Uncertain significance for Hereditary cancer-predisposing syndrome. Last evaluated: 2023-03-16. Review status: criteria provided, single submitter. Criteria: Ambry Variant Classification Scheme 2023. Collection method: clinical testing. Allele origin: germline.
Comment: The p.A485T variant (also known as c.1453G>A), located in coding exon 6 of the BARD1 gene, results from a G to A substitution at nucleotide position 1453. The alanine at codon 485 is replaced by threonine, an amino acid with similar properties. This alteration was seen in cancer-free elderly controls in a Turkish population (Akcay IM et al. Int J Cancer, 2021 Jan;148:285-295). This amino acid position is highly conserved in available vertebrate species. In addition, this alteration is predicted to be deleterious by in silico analysis. Since supporting evidence is limited at this time, the clinical significance of this alteration remains unclear.

Literature cited by the submitters: PubMed 32658311.

NM_000465.4(BARD1):c.1453G>A (p.Ala485Thr)

Gene: BARD1 (BRCA1 associated RING domain 1; minus strand). Cytogenetic location: 2q35.
Variant type: single nucleotide variant.
Coding change: c.1453G>A on transcript NM_000465.4 (MANE Select); coding-DNA position 1453, G replaced by A.
Protein change: p.Ala485Thr; replaces alanine 485 with threonine.
Molecular consequence: missense variant. On other transcripts: non-coding transcript variant (3), intron variant (3).
Genome position (GRCh38, 1-based): chr2:214,767,597, C>T on the plus strand (G>A on the coding strand, the complement: BARD1 is on the minus strand). VCF-style: chr2-214767597-C-T. GRCh37 (hg19) VCF-style: chr2-215632321-C-T.
Other names: c.1396G>A, p.Ala466Thr (NM_001282543.2); c.159-15042G>A (NM_001282548.2); c.216-15042G>A (NM_001282545.2); c.364+24700G>A (NM_001282549.2); short protein forms A466T, A485T.
Identifiers: ClinVar variation 2565194 (VCV002565194.2), dbSNP rs2106076930, ClinGen allele CA350448512.
Genomic context (GRCh38, chr2:214,767,597, plus strand): 5'-CATTCTTGGCTGCATCGTGAAGTGGTGAGTCATTTTGATACCCGGTGGTGTTCACCAATG[C>T]CTTATGCTGGAGCAATAATTCCACTACCTTCAGGTGCCCATGATTGCAAGCTTCATGCTA-3'
Protein context (NP_000456.2, residues 475-495): KVVELLLQHK[Ala485Thr]LVNTTGYQND